The following is an entry in ClinVar:

ClinVar aggregate classification (germline): Uncertain significance. Review status: criteria provided, multiple submitters, no conflicts (2 of 4 stars). 3 submissions from 3 submitters: Uncertain significance (3). Last evaluated 2025-10-07.

Conditions:
NOTCH2-related disorder. Also called: NOTCH2-related condition.
Hajdu-Cheney syndrome (HJCYS). Also called: SERPENTINE FIBULA-POLYCYSTIC KIDNEY SYNDROME; ACROOSTEOLYSIS WITH OSTEOPOROSIS AND CHANGES IN SKULL AND MANDIBLE; Acroosteolysis dominant type. Identifiers: Orphanet 955, MedGen C0917715, MONDO:0007057, OMIM 102500.
Alagille syndrome due to a NOTCH2 point mutation. Also called: Alagille syndrome 2. Identifiers: Orphanet 261629, Orphanet 52, MedGen C1857761, MONDO:0012439, OMIM 610205.

Allele frequency attached by ClinVar (database versions not stated): ExAC 0.00001; gnomAD 0.00001; TOPMed 0.00001.
gnomAD v4.1: 12 of 1,614,140 alleles (0.00074%); highest among the groups gnomAD compares: Admixed American, 0.0067%; no homozygotes.

Submissions (3):

PreventionGenetics, part of Exact Sciences
Classification: Uncertain significance for NOTCH2-related condition. Last evaluated: 2025-10-07. Review status: criteria provided, single submitter. Criteria: ACMG Guidelines, 2015. Collection method: clinical testing. Allele origin: germline.
Comment: The NOTCH2 c.4742G>A variant is predicted to result in the amino acid substitution p.Arg1581Gln. To our knowledge, this variant has not been reported in the literature. This variant is reported in 0.012% of alleles in individuals of Latino descent in gnomAD. At this time, the clinical significance of this variant is uncertain due to the absence of conclusive functional and genetic evidence.

Labcorp Genetics (formerly Invitae), Labcorp
Classification: Uncertain significance for Hajdu-Cheney syndrome. Last evaluated: 2025-01-24. Review status: criteria provided, single submitter. Criteria: Invitae Variant Classification Sherloc (09022015). Collection method: clinical testing. Allele origin: germline.
Comment: This sequence change replaces arginine, which is basic and polar, with glutamine, which is neutral and polar, at codon 1581 of the NOTCH2 protein (p.Arg1581Gln). This variant is present in population databases (rs758032472, gnomAD 0.01%). This variant has not been reported in the literature in individuals affected with NOTCH2-related conditions. ClinVar contains an entry for this variant (Variation ID: 2144602). Invitae Evidence Modeling of protein sequence and biophysical properties (such as structural, functional, and spatial information, amino acid conservation, physicochemical variation, residue mobility, and thermodynamic stability) indicates that this missense variant is not expected to disrupt NOTCH2 protein function with a negative predictive value of 80%. In summary, the available evidence is currently insufficient to determine the role of this variant in disease. Therefore, it has been classified as a Variant of Uncertain Significance.

Fulgent Genetics
Classification: Uncertain significance for Hajdu-Cheney syndrome; Alagille syndrome due to a NOTCH2 point mutation. Last evaluated: 2024-01-30. Review status: criteria provided, single submitter. Criteria: ACMG Guidelines, 2015. Collection method: clinical testing. Allele origin: germline.

NM_024408.4(NOTCH2):c.4742G>A (p.Arg1581Gln)

Gene: NOTCH2 (notch receptor 2; minus strand). Cytogenetic location: 1p12.
Variant type: single nucleotide variant.
Coding change: c.4742G>A on transcript NM_024408.4 (MANE Select); coding-DNA position 4742, G replaced by A.
Protein change: p.Arg1581Gln; replaces arginine 1581 with glutamine.
Molecular consequence: missense variant.
Genome position (GRCh38, 1-based): chr1:119,923,754, C>T on the plus strand (G>A on the coding strand, the complement: NOTCH2 is on the minus strand). VCF-style: chr1-119923754-C-T. GRCh37 (hg19) VCF-style: chr1-120466377-C-T.
Other names: c.4742G>A (NM_024408.3); short protein forms R1581Q.
Identifiers: ClinVar variation 2144602 (VCV002144602.6), dbSNP rs758032472, ClinGen allele CA1039808.